The following is an entry in ClinVar:

NM_000383.4(AIRE):c.1246C>T (p.Pro416Ser)

Gene: AIRE (autoimmune regulator; plus strand). Cytogenetic location: 21q22.3.
Variant type: single nucleotide variant.
Coding change: c.1246C>T on transcript NM_000383.4 (MANE Select); coding-DNA position 1246, C replaced by T.
Protein change: p.Pro416Ser; replaces proline 416 with serine.
Molecular consequence: missense variant.
Genome position (GRCh38, 1-based): chr21:44,293,143, C>T. VCF-style: chr21-44293143-C-T. GRCh37 (hg19) VCF-style: chr21-45713026-C-T.
Other names: c.1246C>T (NM_000383.2); short protein forms P416S.
Identifiers: ClinVar variation 1047504 (VCV001047504.8), dbSNP rs199621393, ClinGen allele CA10052004.

ClinVar aggregate classification (germline): Uncertain significance. Review status: criteria provided, multiple submitters, no conflicts (2 of 4 stars). 3 submissions from 3 submitters: Uncertain significance (2). 1 of the submissions does not count toward it. Last evaluated 2026-01-05.

Conditions:
Polyglandular autoimmune syndrome, type 1 (APS1). Also called: APS I; HYPOADRENOCORTICISM WITH HYPOPARATHYROIDISM AND SUPERFICIAL MONILIASIS; PGA I; Autoimmune polyendocrinopathy syndrome , type I, with or without reversible metaphyseal dysplasia; Whitaker syndrome; Autoimmune polyendocrine syndrome type 1. Identifiers: Orphanet 3453, MedGen C0085859, MONDO:0009411, OMIM 240300.
Inborn genetic diseases. Identifiers: MedGen C0950123, MeSH D030342.

Allele frequency attached by ClinVar (database versions not stated): ExAC below 0.00001; TOPMed below 0.00001; gnomAD 0.00001; 1000 Genomes Project 30x 0.00016; 1000 Genomes Project 0.00020.
gnomAD v4.1: 6 of 1,582,518 alleles (0.00038%); highest among the groups gnomAD compares: African/African-American, 0.004%; no homozygotes.

Submissions (3):

Ambry Genetics
Classification: Uncertain significance for Inborn genetic diseases. Last evaluated: 2026-01-05. Review status: criteria provided, single submitter. Criteria: Ambry Variant Classification Scheme 2023. Collection method: clinical testing. Allele origin: germline.

Labcorp Genetics (formerly Invitae), Labcorp
Classification: Uncertain significance for Polyglandular autoimmune syndrome, type 1. Last evaluated: 2025-04-11. Review status: criteria provided, single submitter. Criteria: Invitae Variant Classification Sherloc (09022015). Collection method: clinical testing. Allele origin: germline.
Comment: This sequence change replaces proline, which is neutral and non-polar, with serine, which is neutral and polar, at codon 416 of the AIRE protein (p.Pro416Ser). This variant is not present in population databases (gnomAD no frequency). This variant has not been reported in the literature in individuals affected with AIRE-related conditions. ClinVar contains an entry for this variant (Variation ID: 1047504). Invitae Evidence Modeling of protein sequence and biophysical properties (such as structural, functional, and spatial information, amino acid conservation, physicochemical variation, residue mobility, and thermodynamic stability) has been performed for this missense variant. However, the output from this modeling did not meet the statistical confidence thresholds required to predict the impact of this variant on AIRE protein function. In summary, the available evidence is currently insufficient to determine the role of this variant in disease. Therefore, it has been classified as a Variant of Uncertain Significance.

Natera, Inc.
Classification: Uncertain significance for Polyglandular autoimmune syndrome type 1. Last evaluated: 2020-09-02. Review status: no assertion criteria provided. Collection method: clinical testing. Allele origin: germline. Not counted in ClinVar's aggregate classification.